The following is an entry in ClinVar:

ClinVar aggregate classification (germline): Pathogenic/Likely pathogenic. Review status: criteria provided, multiple submitters, no conflicts (2 of 4 stars). 2 submissions from 2 submitters: Pathogenic (1); Likely pathogenic (1). Last evaluated 2024-04-05.

Conditions:
Usher syndrome type 1D (USH1D). Also called: USHER SYNDROME, TYPE ID. Identifiers: Orphanet 231169, Orphanet 886, MedGen C1832845, MONDO:0010984, OMIM 601067.
Autosomal recessive nonsyndromic hearing loss 23. Identifiers: Orphanet 90636, MedGen C1836027, MONDO:0012293, OMIM 609533.
Usher syndrome type 1F (USH1F). Also called: USHER SYNDROME, TYPE IF. Identifiers: Orphanet 231169, Orphanet 886, MedGen C1865885, MONDO:0011186, OMIM 602083.

Submissions (2):

Fulgent Genetics
Classification: Likely pathogenic for Usher syndrome type 1D; Usher syndrome type 1F; Autosomal recessive nonsyndromic hearing loss 23. Last evaluated: 2024-04-05. Review status: criteria provided, single submitter. Criteria: ACMG Guidelines, 2015. Collection method: clinical testing. Allele origin: germline.

Labcorp Genetics (formerly Invitae), Labcorp
Classification: Pathogenic. Last evaluated: 2021-07-02. Review status: criteria provided, single submitter. Criteria: Invitae Variant Classification Sherloc (09022015). Collection method: clinical testing. Allele origin: germline.
Comment: This variant has not been reported in the literature in individuals affected with PCDH15-related conditions. This sequence change creates a premature translational stop signal (p.Val1472Glnfs*12) in the PCDH15 gene. While this is not anticipated to result in nonsense mediated decay, it is expected to disrupt the last 484 amino acid(s) of the PCDH15 protein. This variant is not present in population databases (ExAC no frequency). This variant disrupts a region of the PCDH15 protein in which other variant(s) (p.Gln1576*) have been determined to be pathogenic (PMID: 28281779). This suggests that this is a clinically significant region of the protein, and that variants that disrupt it are likely to be disease-causing. For these reasons, this variant has been classified as Pathogenic.

Literature cited by the submitters: PubMed 28281779 (cited by Labcorp Genetics (formerly Invitae), Labcorp).

NM_033056.4(PCDH15):c.4411_4412dup (p.Val1472fs)

Gene: PCDH15 (protocadherin related 15; minus strand). Cytogenetic location: 10q21.1.
Variant type: Duplication.
Coding change: c.4411_4412dup on transcript NM_033056.4 (MANE Plus Clinical); coding-DNA positions 4411 to 4412, 2 bases duplicated (TC; older notation c.4411_4412dupTC).
Protein change: p.Val1472fs; shifts the reading frame from valine 1472.
Molecular consequence: frameshift variant. On other transcripts: intron variant (8).
Genome position (GRCh38, 1-based): chr10:53,823,314-53,823,315, GA duplicated on the plus strand (TC on the coding strand, the reverse complement: PCDH15 is on the minus strand); duplicating any 2 consecutive bases within chr10:53,823,314-53,823,316 gives the same sequence; the c. name uses the placement nearest the transcript's 3' end. VCF-style (leftmost placement, unchanged base first): chr10-53823313-T-TGA. GRCh37 (hg19) VCF-style: chr10-55583073-T-TGA.
Other names: c.4432_4433dup, p.Val1479fs (NM_001142763.2); c.4417_4418dup, p.Val1474fs (NM_001142764.2); c.4204_4205dup, p.Val1403fs (NM_001142765.2); c.4402_4403dup, p.Val1469fs (NM_001142766.2); c.4291_4292dup, p.Val1432fs (NM_001142767.2); c.4351_4352dup, p.Val1452fs (NM_001142768.2); c.4342_4343dup, p.Val1449fs (NM_001142773.2); c.4345_4346dup, p.Val1450fs (NM_001354404.2); and 6 more; short protein forms V1450fs, V1469fs, V1479fs, V1449fs, V1474fs, V1432fs, V1472fs, V1403fs.
Identifiers: ClinVar variation 1455910 (VCV001455910.7), dbSNP rs2132512042, ClinGen allele CA2573145211.